The following is an entry in ClinVar:

NM_015338.6(ASXL1):c.4421T>C (p.Leu1474Pro)

Gene: ASXL1 (ASXL transcriptional regulator 1; plus strand). Cytogenetic location: 20q11.21.
Variant type: single nucleotide variant.
Coding change: c.4421T>C on transcript NM_015338.6 (MANE Select); coding-DNA position 4421, T replaced by C.
Protein change: p.Leu1474Pro; replaces leucine 1474 with proline.
Molecular consequence: missense variant.
Genome position (GRCh38, 1-based): chr20:32,437,133, T>C. VCF-style: chr20-32437133-T-C. GRCh37 (hg19) VCF-style: chr20-31024936-T-C.
Other names: c.4238T>C, p.Leu1413Pro (NM_001363734.1); short protein forms L1474P, L1413P.
Identifiers: ClinVar variation 387320 (VCV000387320.2), dbSNP rs1057522762, ClinGen allele CA16608434.
Genomic context (GRCh38, chr20:32,437,133, plus strand): 5'-TTAATTATTCCTCTAGCTCTCCCACCTTTCCCAAAGGCCTTGCTGGAAGTGTGGTGCAGC[T>C]GAGCCACAAAGCAAACTTTGGTGCGAGCCACAGTGCATCACTTTCCTTGCAAATGTTCAC-3'
Protein context (NP_056153.2, residues 1464-1484): PKGLAGSVVQ[Leu1474Pro]SHKANFGASH

ClinVar aggregate classification (germline): Uncertain significance (1 of 4 stars; one submission).

Submission:

GeneDx
Classification: Uncertain significance. Last evaluated: 2016-06-22. Review status: criteria provided, single submitter. Criteria: GeneDx Variant Classification (06012015). Collection method: clinical testing. Allele origin: germline. Affected: yes.
Comment: The L1474P variant in the ASXL1 gene has not been reported previously as a pathogenic variant, nor as a benign variant, to our knowledge. The L1474P variant was not observed in approximately 6500 individuals of European and African American ancestry in the NHLBI Exome Sequencing Project, indicating it is not a common benign variant in these populations. The L1474P variant is a semi-conservative amino acid substitution, which may impact secondary protein structure as these residues differ in some properties. This substitution occurs at a position that is conserved across species. In silico analysis predicts this variant is probably damaging to the protein structure/function. We interpret L1474P as a variant of uncertain significance.